The following is an entry in ClinVar:

NM_001393504.1(MAST3):c.3278G>A (p.Arg1093His)

Gene: MAST3 (microtubule associated serine/threonine kinase 3; plus strand). Cytogenetic location: 19p13.11.
Variant type: single nucleotide variant.
Coding change: c.3278G>A on transcript NM_001393504.1 (MANE Select); coding-DNA position 3278, G replaced by A.
Protein change: p.Arg1093His; replaces arginine 1093 with histidine.
Molecular consequence: missense variant.
Genome position (GRCh38, 1-based): chr19:18,146,996, G>A. VCF-style: chr19-18146996-G-A. GRCh37 (hg19) VCF-style: chr19-18257806-G-A.
Other names: c.3302G>A, p.Arg1101His (NM_001393501.1); c.3281G>A, p.Arg1094His (NM_001393502.1); c.3278G>A, p.Arg1093His (NM_001393503.1); c.3275G>A, p.Arg1092His (NM_001393505.1); c.3230G>A, p.Arg1077His (NM_001393506.1, NM_001393513.1); c.3257G>A, p.Arg1086His (NM_001393507.1); c.3212G>A, p.Arg1071His (NM_001393508.1, NM_001393516.1); c.3209G>A, p.Arg1070His (NM_001393509.1, NM_001393510.1, NM_001393512.1 and 2 more transcripts); and 4 more; short protein forms R1101H, R1069H, R1070H, R1094H, R1055H, R1064H, R1077H, R1086H.
Identifiers: ClinVar variation 4051964 (VCV004051964.5).

ClinVar aggregate classification (germline): Likely benign. Review status: criteria provided, multiple submitters, no conflicts (2 of 4 stars). 2 submissions from 2 submitters: Likely benign (2). Last evaluated 2026-02-01.

Conditions:
Inborn genetic diseases. Identifiers: MedGen C0950123, MeSH D030342.

gnomAD v4.1: 49 of 1,571,322 alleles (0.0031%); highest among the groups gnomAD compares: Admixed American, 0.0019%; no homozygotes.

Submissions (2):

CeGaT Center for Human Genetics Tuebingen
Classification: Likely benign. Last evaluated: 2026-02-01. Review status: criteria provided, single submitter. Criteria: CeGaT Center For Human Genetics Tuebingen Variant Classification Criteria Version 2. Collection method: clinical testing. Allele origin: germline. Affected: yes. Observed: 1 variant allele.
Comment: MAST3: BS2

Ambry Genetics
Classification: Likely benign for Inborn genetic diseases. Last evaluated: 2025-05-28. Review status: criteria provided, single submitter. Criteria: Ambry Variant Classification Scheme 2023. Collection method: clinical testing. Allele origin: germline.